The following is an entry in ClinVar:

NM_002470.4(MYH3):c.5636A>G (p.Tyr1879Cys)

Gene: MYH3 (myosin heavy chain 3; minus strand). Cytogenetic location: 17p13.1.
Variant type: single nucleotide variant.
Coding change: c.5636A>G on transcript NM_002470.4 (MANE Select); coding-DNA position 5636, A replaced by G.
Protein change: p.Tyr1879Cys; replaces tyrosine 1879 with cysteine.
Molecular consequence: missense variant.
Genome position (GRCh38, 1-based): chr17:10,629,864, T>C on the plus strand (A>G on the coding strand, the complement: MYH3 is on the minus strand). VCF-style: chr17-10629864-T-C. GRCh37 (hg19) VCF-style: chr17-10533181-T-C.
Other names: short protein forms Y1879C.
Identifiers: ClinVar variation 3668359 (VCV003668359.2).
Genomic context (GRCh38, chr17:10,629,864, plus strand): 5'-ACGGTCTGCCTGCCGCAGTCAGCACCTATCTCACTTACAGCCTCCTCCGCCTGCCTCTTG[T>C]AGGACTTGACTTTCACTTGCAGTTTATCCACCAGATCCTGCAATCTCAGCACATTCTTCC-3'
Protein context (NP_002461.2, residues 1869-1889): VDKLQVKVKS[Tyr1879Cys]KRQAEEADEQ

ClinVar aggregate classification (germline): Uncertain significance (1 of 4 stars; one submission).

gnomAD v4.1: 15 of 1,614,006 alleles (0.00093%); highest among the groups gnomAD compares: Non-Finnish European, 0.0012%; no homozygotes.

Submission:

Labcorp Genetics (formerly Invitae), Labcorp
Classification: Uncertain significance. Last evaluated: 2025-09-16. Review status: criteria provided, single submitter. Criteria: Invitae Variant Classification Sherloc (09022015). Collection method: clinical testing. Allele origin: germline.
Comment: This sequence change replaces tyrosine, which is neutral and polar, with cysteine, which is neutral and slightly polar, at codon 1879 of the MYH3 protein (p.Tyr1879Cys). This variant is present in population databases (rs774239787, gnomAD 0.009%). This variant has not been reported in the literature in individuals affected with MYH3-related conditions. ClinVar contains an entry for this variant (Variation ID: 3668359). Invitae Evidence Modeling of protein sequence and biophysical properties (such as structural, functional, and spatial information, amino acid conservation, physicochemical variation, residue mobility, and thermodynamic stability) indicates that this missense variant is not expected to disrupt MYH3 protein function with a negative predictive value of 95%. In summary, the available evidence is currently insufficient to determine the role of this variant in disease. Therefore, it has been classified as a Variant of Uncertain Significance.